The following is an entry in ClinVar:

ClinVar aggregate classification (germline): Uncertain significance. Review status: criteria provided, multiple submitters, no conflicts (2 of 4 stars). 2 submissions from 2 submitters: Uncertain significance (2). Last evaluated 2025-07-03.

Conditions:
Inborn genetic diseases. Identifiers: MedGen C0950123, MeSH D030342.
Mosaic variegated aneuploidy syndrome 1 (MVA1). Also called: Warburton-Anyane-Yeboa syndrome. Identifiers: Orphanet 1052, MedGen C1850343, MONDO:0009759, OMIM 257300.

gnomAD v4.1: 4 of 1,614,136 alleles (0.00025%); highest among the groups gnomAD compares: Non-Finnish European, 0.00034%; no homozygotes.

Submissions (2):

Labcorp Genetics (formerly Invitae), Labcorp
Classification: Uncertain significance for Mosaic variegated aneuploidy syndrome 1. Last evaluated: 2025-07-03. Review status: criteria provided, single submitter. Criteria: Invitae Variant Classification Sherloc (09022015). Collection method: clinical testing. Allele origin: germline.
Comment: This sequence change replaces methionine, which is neutral and non-polar, with threonine, which is neutral and polar, at codon 300 of the BUB1B protein (p.Met300Thr). This variant is not present in population databases (gnomAD no frequency). This variant has not been reported in the literature in individuals affected with BUB1B-related conditions. ClinVar contains an entry for this variant (Variation ID: 3633045). An algorithm developed to predict the effect of missense changes on protein structure and function (PolyPhen-2) suggests that this variant is likely to be tolerated. In summary, the available evidence is currently insufficient to determine the role of this variant in disease. Therefore, it has been classified as a Variant of Uncertain Significance.

Ambry Genetics
Classification: Uncertain significance for Inborn genetic diseases. Last evaluated: 2024-12-22. Review status: criteria provided, single submitter. Criteria: Ambry Variant Classification Scheme 2023. Collection method: clinical testing. Allele origin: germline.
Comment: The p.M300T variant (also known as c.899T>C), located in coding exon 7 of the BUB1B gene, results from a T to C substitution at nucleotide position 899. The methionine at codon 300 is replaced by threonine, an amino acid with similar properties. This amino acid position is conserved. In addition, this alteration is predicted to be tolerated by in silico analysis. Based on the available evidence, the clinical significance of this variant remains unclear.

NM_001211.6(BUB1B):c.899T>C (p.Met300Thr)

Gene: BUB1B (BUB1 mitotic checkpoint serine/threonine kinase B; plus strand). Cytogenetic location: 15q15.1.
Variant type: single nucleotide variant.
Coding change: c.899T>C on transcript NM_001211.6 (MANE Select); coding-DNA position 899, T replaced by C.
Protein change: p.Met300Thr; replaces methionine 300 with threonine.
Molecular consequence: missense variant.
Genome position (GRCh38, 1-based): chr15:40,185,312, T>C. VCF-style: chr15-40185312-T-C. GRCh37 (hg19) VCF-style: chr15-40477513-T-C.
Other names: short protein forms M300T.
Identifiers: ClinVar variation 3633045 (VCV003633045.3).